The following is an entry in ClinVar:

ClinVar aggregate classification (germline): Likely pathogenic. Review status: criteria provided, multiple submitters, no conflicts (2 of 4 stars). 2 submissions from 2 submitters: Likely pathogenic (2). Last evaluated 2023-12-06.

Conditions:
TTN-related disorder. Also called: TTN-related condition; TTN-related disease; TTN-related disorders.
Dilated cardiomyopathy 1G (CMD1G). Identifiers: Orphanet 154, MedGen C1858763, MONDO:0011400, OMIM 604145.
Autosomal recessive limb-girdle muscular dystrophy type 2J (LGMDR10). Also called: MUSCULAR DYSTROPHY, LIMB-GIRDLE, AUTOSOMAL RECESSIVE 10; Limb-girdle muscular dystrophy, type 2J. Identifiers: Orphanet 140922, MedGen C1837342, MONDO:0012127, OMIM 608807.

Submissions (2):

Labcorp Genetics (formerly Invitae), Labcorp
Classification: Likely pathogenic for Dilated cardiomyopathy 1G; Autosomal recessive limb-girdle muscular dystrophy type 2J. Last evaluated: 2023-12-06. Review status: criteria provided, single submitter. Criteria: Invitae Variant Classification Sherloc (09022015). Collection method: clinical testing. Allele origin: germline.
Comment: This sequence change creates a premature translational stop signal (p.Ser35387Ilefs*7) in the TTN gene. While this is not anticipated to result in nonsense mediated decay, it is expected to create a truncated TTN protein. This variant is not present in population databases (gnomAD no frequency). This variant has not been reported in the literature in individuals affected with TTN-related conditions. This variant is located in the M band of TTN (PMID: 25589632). Truncating variants in this region have been previously reported in individuals affected with autosomal recessive myopathy and muscular dystrophy (PMID: 18948003, 23975875, 24395473). Truncating variants in this region have also been identified in individuals affected with autosomal dominant dilated cardiomyopathy and/or cardio-related conditions (PMID: 27869827, 32964742). In summary, the currently available evidence indicates that the variant is pathogenic, but additional data are needed to prove that conclusively. Therefore, this variant has been classified as Likely Pathogenic.

PreventionGenetics, part of Exact Sciences
Classification: Likely pathogenic for TTN-related condition. Last evaluated: 2022-10-31. Review status: criteria provided, single submitter. Criteria: ACMG Guidelines, 2015. Collection method: clinical testing. Allele origin: germline.
Comment: The TTN c.106157dupT variant is predicted to result in a frameshift and premature protein termination (p.Ser35387Ilefs*7). To our knowledge, this variant has not been reported in the literature or in a large population database, indicating this variant is rare. This variant occurs in exon 359 which is located in the M-band region of the TTN protein. Exons 359-364 (Mex1-Mex6) have historically been found to harbor a significant number of pathogenic variants for TTN-related autosomal dominant and recessive muscle disorders (Hackman et al. 2002. PMID: 12145747; Evilä et al. 2014. PMID: 24395473). Other protein truncating variants in this exon (eg. c.101021_101022delGA, c.101098_101099insT, c.101996G>A, c.102718G>T) have been reported in individuals with dilated cardiomyopathy (Roberts A.M. et al. 2015. PMID: 25589632, Jansen et al. 2019. PubMed ID: 31112426). RNAseq studies from heart tissue indicate this exon is commonly included in TTN mRNA transcripts (PSI of 100%, Roberts A.M. et al. 2015. PMID: 25589632). TTN truncating variants are reported in 1-2% of presumably healthy individuals, but occur more frequently in exons with low PSI values (Roberts A.M. et al. 2015. PMID: 25589632; Herman D.S. et al. 2012. PMID: 22335739). Many cases of recessive congenital TTN-related myopathies in which the individual is compound heterozygous for two loss of function variants in TTN have also been reported (See Ceyhan-Birsoy O. et al. 2013. PMID: 23975875; Chauveau C et al. 2014. PMID: 24105469; Evilä A et al. 2016. PMID: 27796757; Ge et al. 2019. PubMed ID: 31053406). In summary, we interpret this variant as likely pathogenic for TTN-related disorders.

Literature cited by the submitters: PubMed 25589632 (cited by Labcorp Genetics (formerly Invitae), Labcorp); PubMed 18948003 (cited by Labcorp Genetics (formerly Invitae), Labcorp); PubMed 23975875 (cited by Labcorp Genetics (formerly Invitae), Labcorp); PubMed 24395473 (cited by Labcorp Genetics (formerly Invitae), Labcorp); PubMed 27869827 (cited by Labcorp Genetics (formerly Invitae), Labcorp); PubMed 32964742 (cited by Labcorp Genetics (formerly Invitae), Labcorp).

NM_001267550.2(TTN):c.106157dup (p.Ser35387fs)

Genes: TTN (titin; minus strand), TTN-AS1 (TTN antisense RNA 1; plus strand), LOC129935182 (ATAC-STARR-seq lymphoblastoid active region 16807; plus strand). Cytogenetic location: 2q31.2.
Variant type: Duplication.
Coding change: c.106157dup on transcript NM_001267550.2 (MANE Select); coding-DNA position 106157, one base duplicated (T; older notation c.106157dupT).
Protein change: p.Ser35387fs; shifts the reading frame from serine 35387.
Molecular consequence: frameshift variant.
Genome position (GRCh38, 1-based): chr2:178,530,458, A duplicated on the plus strand (T on the coding strand, the reverse complement: TTN is on the minus strand). VCF-style (leftmost placement, unchanged base first): chr2-178530457-T-TA. GRCh37 (hg19) VCF-style: chr2-179395184-T-TA.
Other names: c.101234dup, p.Ser33746fs (NM_001256850.1); c.78962dup, p.Ser26322fs (NM_003319.4); c.98453dup, p.Ser32819fs (NM_133378.4); c.79337dup, p.Ser26447fs (NM_133432.3); c.79538dup, p.Ser26514fs (NM_133437.4); c.106157dupT (NM_001267550.2); short protein forms S26322fs, S26447fs, S26514fs, S32819fs, S33746fs, S35387fs.
Identifiers: ClinVar variation 2635197 (VCV002635197.4), dbSNP rs2468370308, ClinGen allele CA2695196988.
Genomic context (GRCh38, chr2:178,530,457, plus strand): 5'-TCTGGTTACTGTTGACTCAGTGGTTTTCTGATCTGATTTCTTAGTTTCTGATATTTTTGA[T>TA]ACCTTCTCATGGATACTCTTAAAGGCTTGCCCCATAAATTGTAAGTTGGTTTTAGACGTT-3'